The following is an entry in ClinVar:

NM_000059.4(BRCA2):c.275_276insCCAT (p.Gln92fs)

Gene: BRCA2 (BRCA2 DNA repair associated; plus strand). Cytogenetic location: 13q13.1.
Variant type: Insertion.
Coding change: c.275_276insCCAT on transcript NM_000059.4 (MANE Select); coding-DNA positions 275 to 276, CCAT inserted.
Protein change: p.Gln92fs; shifts the reading frame from glutamine 92.
Molecular consequence: frameshift variant.
Genome position: GRCh38 VCF-style: chr13-32319284-A-ACCAT. GRCh37 (hg19) VCF-style: chr13-32893421-A-ACCAT.
Other names: short protein forms Q92fs.
Identifiers: ClinVar variation 548332 (VCV000548332.1), dbSNP rs1555280427, ClinGen allele CA658823608.

ClinVar aggregate classification (germline): Pathogenic (3 of 4 stars; one submission).

Conditions:
Breast-ovarian cancer, familial, susceptibility to, 2 (BROVCA2). Also called: BRCA2 Hereditary Breast and Ovarian Cancer. Identifiers: Orphanet 145, MedGen C2675520, MONDO:0012933, OMIM 612555. Disease mechanism: loss of function.

Submission:

Evidence-based Network for the Interpretation of Germline Mutant Alleles (ENIGMA)
Classification: Pathogenic for Breast-ovarian cancer, familial, susceptibility to, 2. Last evaluated: 2017-12-15. Review status: reviewed by expert panel. Criteria: ENIGMA BRCA1/2 Classification Criteria (2017-06-29). Collection method: curation. Allele origin: germline. Study: ENIGMA.
Comment: Variant allele predicted to encode a truncated non-functional protein.